The following is an entry in ClinVar:

ClinVar aggregate classification (germline): Likely pathogenic (1 of 4 stars; one submission).

Conditions:
Kleefstra syndrome 2 (KLEFS2). Identifiers: MedGen C4540395, MONDO:0054701, OMIM 617768.

Submission:

3billion
Classification: Likely pathogenic for Kleefstra syndrome 2. Last evaluated: 2022-01-03. Review status: criteria provided, single submitter. Criteria: ACMG Guidelines, 2015. Collection method: clinical testing. Allele origin: germline. Affected: yes. Observed: 1 heterozygote.
Comment: Stop-gained (nonsense): predicted to result in a loss or disruption of normal protein function through nonsense-mediated decay (NMD) or protein truncation. Multiple pathogenic variants are reported downstream of the variant (PVS1_VS). It is not observed in the gnomAD v2.1.1 dataset (PM2_M). Therefore, this variant is classified as likely pathogenic according to the recommendation of ACMG/AMP guideline.

NM_170606.3(KMT2C):c.6925C>T (p.Gln2309Ter)

Gene: KMT2C (lysine methyltransferase 2C; minus strand). Cytogenetic location: 7q36.1.
Variant type: single nucleotide variant.
Coding change: c.6925C>T on transcript NM_170606.3 (MANE Select); coding-DNA position 6925, C replaced by T.
Protein change: p.Gln2309Ter; replaces glutamine 2309 with a stop codon.
Molecular consequence: nonsense.
Genome position (GRCh38, 1-based): chr7:152,180,935, G>A on the plus strand (C>T on the coding strand, the complement: KMT2C is on the minus strand). VCF-style: chr7-152180935-G-A. GRCh37 (hg19) VCF-style: chr7-151878020-G-A.
Other names: short protein forms Q2309*.
Identifiers: ClinVar variation 1333298 (VCV001333298.1), dbSNP rs2129119384, ClinGen allele CA370091073.